The following is an entry in ClinVar:

ClinVar aggregate classification (germline): Likely benign (1 of 4 stars; one submission).

Submission:

CeGaT Center for Human Genetics Tuebingen
Classification: Likely benign. Last evaluated: 2025-12-01. Review status: criteria provided, single submitter. Criteria: CeGaT Center For Human Genetics Tuebingen Variant Classification Criteria Version 2. Collection method: clinical testing. Allele origin: germline. Affected: yes. Observed: 1 variant allele.
Comment: HOXD13: BP3, BS2

NM_000523.4(HOXD13):c.207_212dup (p.Ala71_Ser72insAlaAla)

Gene: HOXD13 (homeobox D13; plus strand). Cytogenetic location: 2q31.1.
Variant type: Duplication.
Coding change: c.207_212dup on transcript NM_000523.4 (MANE Select); coding-DNA positions 207 to 212, 6 bases duplicated (GGCAGC; older notation c.207_212dupGGCAGC).
Protein change: p.Ala71_Ser72insAlaAla.
Genome position (GRCh38, 1-based): chr2:176,093,097-176,093,102, GGCAGC duplicated; duplicating any 6 consecutive bases within chr2:176,093,095-176,093,102 gives the same sequence; the c. name uses the placement nearest the transcript's 3' end. VCF-style (leftmost placement, unchanged base first): chr2-176093094-G-GGCGGCA. GRCh37 (hg19) VCF-style: chr2-176957822-G-GGCGGCA.
Identifiers: ClinVar variation 4681268 (VCV004681268.5).